The following is an entry in ClinVar:

ClinVar aggregate classification (germline): Uncertain significance (1 of 4 stars; one submission).

Conditions:
Rubinstein-Taybi syndrome due to EP300 haploinsufficiency. Also called: EP300-Related Rubinstein-Taybi Syndrome; RUBINSTEIN-TAYBI SYNDROME 2. Identifiers: Orphanet 353284, Orphanet 783, MedGen C3150941, MONDO:0013364, OMIM 613684.

gnomAD v4.1: 5 of 1,614,048 alleles (0.00031%); highest among the groups gnomAD compares: Non-Finnish European, 0.00025%; no homozygotes.

Submission:

Labcorp Genetics (formerly Invitae), Labcorp
Classification: Uncertain significance for Rubinstein-Taybi syndrome due to EP300 haploinsufficiency. Last evaluated: 2025-11-25. Review status: criteria provided, single submitter. Criteria: Invitae Variant Classification Sherloc (09022015). Collection method: clinical testing. Allele origin: germline.
Comment: This sequence change replaces arginine, which is basic and polar, with cysteine, which is neutral and slightly polar, at codon 1187 of the EP300 protein (p.Arg1187Cys). This variant is not present in population databases (gnomAD no frequency). This missense change has been observed in individual(s) with microcephaly (PMID: 31069529). Invitae Evidence Modeling of protein sequence and biophysical properties (such as structural, functional, and spatial information, amino acid conservation, physicochemical variation, residue mobility, and thermodynamic stability) indicates that this missense variant is expected to disrupt EP300 protein function with a positive predictive value of 80%. In summary, the available evidence is currently insufficient to determine the role of this variant in disease. Therefore, it has been classified as a Variant of Uncertain Significance.

Literature cited by the submitters: PubMed 31069529.

NM_001429.4(EP300):c.3559C>T (p.Arg1187Cys)

Gene: EP300 (EP300 lysine acetyltransferase; plus strand). Cytogenetic location: 22q13.2.
Variant type: single nucleotide variant.
Coding change: c.3559C>T on transcript NM_001429.4 (MANE Select); coding-DNA position 3559, C replaced by T.
Protein change: p.Arg1187Cys; replaces arginine 1187 with cysteine.
Molecular consequence: missense variant.
Genome position (GRCh38, 1-based): chr22:41,158,469, C>T. VCF-style: chr22-41158469-C-T. GRCh37 (hg19) VCF-style: chr22-41554473-C-T.
Other names: c.3481C>T, p.Arg1161Cys (NM_001362843.2); short protein forms R1187C, R1161C.
Identifiers: ClinVar variation 4766679 (VCV004766679.1).
Genomic context (GRCh38, chr22:41,158,469, plus strand): 5'-CAGTTGGAGTTCTCTCCACAGACACTGTGTTGCTACGGCAAACAGTTGTGCACAATACCT[C>T]GTGATGCCACTTATTACAGTTACCAGAACAGGTAAGCTTGGCCAGGTGTGGACCATGGTC-3'
Protein context (NP_001420.2, residues 1177-1197): CYGKQLCTIP[Arg1187Cys]DATYYSYQNR